The following is an entry in ClinVar:

NM_006648.4(WNK2):c.3386C>G (p.Pro1129Arg)

Gene: WNK2 (WNK lysine deficient protein kinase 2; plus strand). Cytogenetic location: 9q22.31.
Variant type: single nucleotide variant.
Coding change: c.3386C>G on transcript NM_006648.4 (MANE Select); coding-DNA position 3386, C replaced by G.
Protein change: p.Pro1129Arg; replaces proline 1129 with arginine.
Molecular consequence: missense variant.
Genome position (GRCh38, 1-based): chr9:93,262,695, C>G. VCF-style: chr9-93262695-C-G. GRCh37 (hg19) VCF-style: chr9-96024977-C-G.
Other names: c.3386C>G, p.Pro1129Arg (NM_001282394.3); short protein forms P1129R.
Identifiers: ClinVar variation 4605357 (VCV004605357.1).

ClinVar aggregate classification (germline): Uncertain significance (1 of 4 stars; one submission).

Submission:

Ambry Genetics
Classification: Uncertain significance. Last evaluated: 2025-11-11. Review status: criteria provided, single submitter. Criteria: Ambry Variant Classification Scheme 2023. Collection method: clinical testing. Allele origin: germline.
Comment: The p.P1129R variant (also known as c.3386C>G), located in coding exon 13 of the WNK2 gene, results from a C to G substitution at nucleotide position 3386. The proline at codon 1129 is replaced by arginine, an amino acid with dissimilar properties. This amino acid position is conserved. In addition, this alteration is predicted to be tolerated by in silico analysis. Based on the available evidence, the clinical significance of this variant remains unclear.